The following is an entry in ClinVar:

NM_000465.4(BARD1):c.1178G>C (p.Gly393Ala)

Gene: BARD1 (BRCA1 associated RING domain 1; minus strand). Cytogenetic location: 2q35.
Variant type: single nucleotide variant.
Coding change: c.1178G>C on transcript NM_000465.4 (MANE Select); coding-DNA position 1178, G replaced by C.
Protein change: p.Gly393Ala; replaces glycine 393 with alanine.
Molecular consequence: missense variant. On other transcripts: non-coding transcript variant (2), intron variant (3).
Genome position (GRCh38, 1-based): chr2:214,780,696, C>G on the plus strand (G>C on the coding strand, the complement: BARD1 is on the minus strand). VCF-style: chr2-214780696-C-G. GRCh37 (hg19) VCF-style: chr2-215645420-C-G.
Other names: c.1121G>C, p.Gly374Ala (NM_001282543.2); c.159-28141G>C (NM_001282548.2); c.215+16365G>C (NM_001282545.2); c.364+11601G>C (NM_001282549.2); short protein forms G393A, G374A.
Identifiers: ClinVar variation 818503 (VCV000818503.19), dbSNP rs923271294, ClinGen allele CA64788040.
Genomic context (GRCh38, chr2:214,780,696, plus strand): 5'-GCTGAGGGACTAGACATCACTCGCCTGTAACTTGAACTACTTAATGTAGAAGGTGGTGTA[C>G]CTGGTGAAAGACTAATGAATTCATCGGACATGTTACTGTTTTTCCTCCCTGATGTACCAC-3'
Protein context (NP_000456.2, residues 383-403): MSDEFISLSP[Gly393Ala]TPPSTLSSSS

ClinVar aggregate classification (germline): Uncertain significance. Review status: criteria provided, multiple submitters, no conflicts (2 of 4 stars). 3 submissions from 3 submitters: Uncertain significance (3). Last evaluated 2025-06-18.

Conditions:
Familial cancer of breast. Also called: hereditary breast carcinoma; Hereditary breast cancer; BREAST CANCER, FAMILIAL. Identifiers: Orphanet 227535, MedGen C0346153, MONDO:0016419, OMIM 114480. Disease mechanism: loss of function.
Hereditary cancer-predisposing syndrome. Also called: Tumor predisposition; Hereditary neoplastic syndrome; Neoplastic Syndromes, Hereditary; Hereditary Cancer Syndrome. Identifiers: Orphanet 140162, MedGen C0027672, MeSH D009386, MONDO:0015356.

Allele frequency attached by ClinVar (database versions not stated): gnomAD exomes below 0.00001; TOPMed 0.00002.
gnomAD v4.1: 1 of 1,614,040 alleles (0.000062%); highest among the groups gnomAD compares: Non-Finnish European, 0.000085%; no homozygotes.

Submissions (3):

Labcorp Genetics (formerly Invitae), Labcorp
Classification: Uncertain significance for Familial cancer of breast. Last evaluated: 2025-06-18. Review status: criteria provided, single submitter. Criteria: Invitae Variant Classification Sherloc (09022015). Collection method: clinical testing. Allele origin: germline.
Comment: This sequence change replaces glycine, which is neutral and non-polar, with alanine, which is neutral and non-polar, at codon 393 of the BARD1 protein (p.Gly393Ala). This variant is present in population databases (no rsID available, gnomAD 0.0009%). This variant has not been reported in the literature in individuals affected with BARD1-related conditions. ClinVar contains an entry for this variant (Variation ID: 818503). An algorithm developed to predict the effect of missense changes on protein structure and function outputs the following: PolyPhen-2: "Benign". The alanine amino acid residue is found in multiple mammalian species, which suggests that this missense change does not adversely affect protein function. In summary, the available evidence is currently insufficient to determine the role of this variant in disease. Therefore, it has been classified as a Variant of Uncertain Significance.

Ambry Genetics
Classification: Uncertain significance for Hereditary cancer-predisposing syndrome. Last evaluated: 2024-12-29. Review status: criteria provided, single submitter. Criteria: Ambry Variant Classification Scheme 2023. Collection method: clinical testing. Allele origin: germline.
Comment: The p.G393A variant (also known as c.1178G>C), located in coding exon 4 of the BARD1 gene, results from a G to C substitution at nucleotide position 1178. The glycine at codon 393 is replaced by alanine, an amino acid with similar properties. This amino acid position is not well conserved in available vertebrate species. In addition, this alteration is predicted to be tolerated by in silico analysis. Since supporting evidence is limited at this time, the clinical significance of this alteration remains unclear.

Color Diagnostics, LLC DBA Color Health
Classification: Uncertain significance for Hereditary cancer-predisposing syndrome. Last evaluated: 2023-12-04. Review status: criteria provided, single submitter. Criteria: ACMG Guidelines, 2015. Collection method: clinical testing. Allele origin: germline.
Comment: This missense variant replaces glycine with alanine at codon 393 of the BARD1 protein. Computational prediction suggests that this variant may not impact protein structure and function (internally defined REVEL score threshold <= 0.5, PMID: 27666373). To our knowledge, functional studies have not been reported for this variant. This variant has not been reported in individuals affected with BARD1-related disorders in the literature. This variant has been identified in 1/251116 chromosomes in the general population by the Genome Aggregation Database (gnomAD). The available evidence is insufficient to determine the role of this variant in disease conclusively. Therefore, this variant is classified as a Variant of Uncertain Significance.